The following is an entry in ClinVar:

NM_001191061.2(SLC25A22):c.587+1G>A

Gene: SLC25A22 (solute carrier family 25 member 22; minus strand). Cytogenetic location: 11p15.5.
Variant type: single nucleotide variant.
Coding change: c.587+1G>A on transcript NM_001191061.2 (MANE Select); the canonical splice donor site of the intron after coding-DNA position 587, G replaced by A.
Molecular consequence: splice donor variant.
Genome position (GRCh38, 1-based): chr11:792,552, C>T on the plus strand (G>A on the coding strand, the complement: SLC25A22 is on the minus strand). VCF-style: chr11-792552-C-T. GRCh37 (hg19) VCF-style: chr11-792552-C-T.
Other names: c.587+1G>A (NM_001425339.1, NM_001425343.1, NM_001425342.1 and 4 more transcripts); c.575+1G>A (NM_001425341.1); c.584+1G>A (NM_001425340.1); c.602+1G>A (NM_001425336.1); c.626+1G>A (NM_001425335.1); c.269+1G>A (NM_001425344.1); c.662+1G>A (NM_001425334.1).
Identifiers: ClinVar variation 3347365 (VCV003347365.2).
Genomic context (GRCh38, chr11:792,552, plus strand): 5'-GTGGTGGGGTGGGCAGGCCGGCCTCCCCCTTCCCTCCCCCCACCTGCCCTGTGCCTCCTA[C>T]CTGAGCAGCGTGGCCCCGAGTCCCTTGTAGAGACCGGCAATGCCACGGCTCCGCAGCAGG-3'

ClinVar aggregate classification (germline): Likely pathogenic. Review status: criteria provided, single submitter (1 of 4 stars). 2 submissions from 2 submitters: Likely pathogenic (1). 1 of the submissions does not count toward it. Last evaluated 2025-05-14.

Conditions:
Early-infantile DEE. Also called: Early infantile epileptic encephalopathy; Early infantile epileptic encephalopathy with suppression bursts; Ohtahara syndrome. Identifiers: Orphanet 1934, MedGen C0393706, MONDO:0800491.
SLC25A22-related disorder. Also called: SLC25A22-related condition.

Submissions (2):

Labcorp Genetics (formerly Invitae), Labcorp
Classification: Likely pathogenic for Early-infantile DEE. Last evaluated: 2025-05-14. Review status: criteria provided, single submitter. Criteria: Invitae Variant Classification Sherloc (09022015). Collection method: clinical testing. Allele origin: germline.
Comment: This sequence change affects a donor splice site in intron 7 of the SLC25A22 gene. It is expected to disrupt RNA splicing. Variants that disrupt the donor or acceptor splice site typically lead to a loss of protein function (PMID: 16199547), and loss-of-function variants in SLC25A22 are known to be pathogenic (PMID: 15592994, 19780765). This variant is present in population databases (rs747863066, gnomAD 0.007%). This variant has not been reported in the literature in individuals affected with SLC25A22-related conditions. ClinVar contains an entry for this variant (Variation ID: 3347365). Algorithms developed to predict the effect of sequence changes on RNA splicing suggest that this variant may disrupt the consensus splice site. In summary, the currently available evidence indicates that the variant is pathogenic, but additional data are needed to prove that conclusively. Therefore, this variant has been classified as Likely Pathogenic.

PreventionGenetics, part of Exact Sciences
Classification: Uncertain significance for SLC25A22-related condition. Last evaluated: 2024-05-01. Review status: no assertion criteria provided. Collection method: clinical testing. Allele origin: germline. Not counted in ClinVar's aggregate classification.
Comment: The SLC25A22 c.587+1G>A variant is predicted to disrupt the GT donor site and interfere with normal splicing. To our knowledge, this variant has not been reported in the literature. This variant is reported in 0.0064% of alleles in individuals of African descent in gnomAD. Although we suspect that this variant may be pathogenic, at this time, the clinical significance of this variant is uncertain due to the absence of conclusive functional and genetic evidence.

Literature cited by the submitters: PubMed 16199547 (cited by Labcorp Genetics (formerly Invitae), Labcorp); PubMed 15592994 (cited by Labcorp Genetics (formerly Invitae), Labcorp); PubMed 19780765 (cited by Labcorp Genetics (formerly Invitae), Labcorp).